The following is an entry in ClinVar:

NM_000829.4(GRIA4):c.247+16009G>C

Gene: GRIA4 (glutamate ionotropic receptor AMPA type subunit 4; plus strand). Cytogenetic location: 11q22.3.
Variant type: single nucleotide variant.
Coding change: c.247+16009G>C on transcript NM_000829.4 (MANE Select); 16009 bases into the intron after coding-DNA position 247, G replaced by C.
Molecular consequence: intron variant.
Genome position (GRCh38, 1-based): chr11:105,628,443, G>C. VCF-style: chr11-105628443-G-C. GRCh37 (hg19) VCF-style: chr11-105499170-G-C.
Other names: c.247+16009G>C (NM_001440383.1, NM_001440386.1, NM_001440395.1 and 20 more transcripts).
Identifiers: ClinVar variation 4854585 (VCV004854585.1).
Genomic context (GRCh38, chr11:105,628,443, plus strand): 5'-CTGTGTCCCCACCCACATCTCATCTTGAATTGTATTTCCTATAATCCCCATGTGTCGTTG[G>C]AGAGACCCGGACGTTGGAGTTGAATCATGGGAGTATGATAGTAAGTGAGTTCTCCTGAGA-3'

ClinVar aggregate classification (germline): Uncertain significance (1 of 4 stars; one submission).

Conditions:
Neurodevelopmental disorder with or without seizures and gait abnormalities. Identifiers: MedGen C4693391, MONDO:0060641, OMIM 617864.

Submission:

3billion
Classification: Uncertain significance for Neurodevelopmental disorder with or without seizures and gait abnormalities. Last evaluated: 2025-11-17. Review status: criteria provided, single submitter. Criteria: ACMG Guidelines, 2015. Collection method: clinical testing. Allele origin: germline. Affected: yes.
Comment: The variant is not observed in the gnomAD v4.1.0 dataset. Predicted Consequence/Location: Intron variant In silico tools predict the variant to alter splicing and produce an abnormal transcript [SpliceAI: 0.81 (>=0.2, moderate evidence for spliceogenicity)]. Therefore, this variant is classified as VUS according to the recommendation of ACMG/AMP guideline.